The following is an entry in ClinVar:

NM_001042492.3(NF1):c.7410T>C (p.Asn2470=)

Gene: NF1 (neurofibromin 1; plus strand). Cytogenetic location: 17q11.2.
Variant type: single nucleotide variant.
Coding change: c.7410T>C on transcript NM_001042492.3 (MANE Select); coding-DNA position 7410, T replaced by C.
Protein change: p.Asn2470=; no amino-acid change (asparagine 2470 retained).
Molecular consequence: synonymous variant.
Genome position (GRCh38, 1-based): chr17:31,350,271, T>C. VCF-style: chr17-31350271-T-C. GRCh37 (hg19) VCF-style: chr17-29677289-T-C.
Other names: c.7347T>C, p.Asn2449= (NM_000267.4).
Identifiers: ClinVar variation 184229 (VCV000184229.32), dbSNP rs17881903, ClinGen allele CA188285.

ClinVar aggregate classification (germline): Benign/Likely benign. Review status: criteria provided, multiple submitters, no conflicts (2 of 4 stars). 11 submissions from 11 submitters: Benign (5); Likely benign (6). Last evaluated 2026-05-21.

Conditions:
NF1-related disorder. Also called: NF1-related condition. Identifiers: MedGen CN379171.
Hereditary cancer-predisposing syndrome. Also called: Neoplastic Syndromes, Hereditary; Tumor predisposition; Hereditary neoplastic syndrome; Hereditary Cancer Syndrome. Identifiers: Orphanet 140162, MedGen C0027672, MeSH D009386, MONDO:0015356.
Neurofibromatosis, type 1 (NF1). Also called: VON RECKLINGHAUSEN DISEASE; Peripheral type neurofibromatosis; Neurofibromatosis, type I; NEUROFIBROMATOSIS, TYPE I, SOMATIC. Identifiers: Orphanet 636, MedGen C0027831, MONDO:0018975, OMIM 162200. Disease mechanism: loss of function.

Allele frequency attached by ClinVar (database versions not stated): gnomAD exomes 0.00004 and 0.00015; 1000 Genomes Project 30x 0.00016; 1000 Genomes Project 0.00020; ExAC 0.00021; ESP Exome Variant Server 0.00046; gnomAD 0.00052 and 0.00059; TOPMed 0.00059.
gnomAD v4.1: 138 of 1,613,608 alleles (0.0086%); highest among the groups gnomAD compares: African/African-American, 0.17%; no homozygotes.

Submissions (11):

Myriad Genetics, Inc.
Classification: Benign for Neurofibromatosis, type 1. Last evaluated: 2026-05-21. Review status: criteria provided, single submitter. Criteria: Myriad Autosomal Dominant, Autosomal Recessive and X-Linked Classification Criteria (2023). Collection method: clinical testing. Allele origin: unknown.
Comment: This variant is considered benign. This variant is a silent/synonymous amino acid change and it is not expected to impact splicing.

PreventionGenetics, part of Exact Sciences
Classification: Likely benign for NF1-related condition. Last evaluated: 2026-05-12. Review status: criteria provided, single submitter. Criteria: ACMG Guidelines, 2015. Collection method: clinical testing. Allele origin: germline.
Comment: This variant is classified as likely benign based on ACMG/AMP sequence variant interpretation guidelines (Richards et al. 2015 PMID: 25741868, with internal and published modifications).

Labcorp Genetics (formerly Invitae), Labcorp
Classification: Benign for Neurofibromatosis, type 1. Last evaluated: 2026-02-03. Review status: criteria provided, single submitter. Criteria: Invitae Variant Classification Sherloc (09022015). Collection method: clinical testing. Allele origin: germline.

ARUP Laboratories, Molecular Genetics and Genomics, ARUP Laboratories
Classification: Benign. Last evaluated: 2024-12-23. Review status: criteria provided, single submitter. Criteria: ARUP Molecular Germline Variant Investigation Process 2024. Collection method: clinical testing. Allele origin: germline.

Blueprint Genetics
Classification: Likely benign. Last evaluated: 2024-11-13. Review status: criteria provided, single submitter. Criteria: ACMG Guidelines, 2015. Collection method: clinical testing. Allele origin: germline.

Genome-Nilou Lab
Classification: Likely benign for Neurofibromatosis, type 1. Last evaluated: 2022-03-15. Review status: criteria provided, single submitter. Criteria: ACMG Guidelines, 2015. Collection method: clinical testing. Allele origin: germline. Affected: no.

GeneDx
Classification: Likely benign. Last evaluated: 2021-08-02. Review status: criteria provided, single submitter. Criteria: GeneDx Variant Classification Process June 2021. Collection method: clinical testing. Allele origin: germline. Affected: yes.

Sema4
Classification: Benign for Hereditary cancer-predisposing syndrome. Last evaluated: 2021-05-30. Review status: criteria provided, single submitter. Criteria: Sema4 Curation Guidelines. Collection method: curation. Allele origin: germline.

Women's Health and Genetics/Laboratory Corporation of America, LabCorp
Classification: Benign. Last evaluated: 2018-01-29. Review status: criteria provided, single submitter. Criteria: LabCorp Variant Classification Summary - May 2015. Collection method: clinical testing. Allele origin: germline.
Comment: Variant summary: NF1 c.7347T>C (p.Asn2449=) alters a non-conserved nucleotide resulting in a synonymous change. 5/5 computational tools predict no significant impact on normal splicing. However, these predictions have yet to be confirmed by functional studies. The observed variant frequency within African control individuals in the gnomAD (58/24034 chrs) database is approximately 11.52 fold of the estimated maximal expected allele frequency for a pathogenic variant in NF1 causing Neurofibromatosis Type 1 phenotype (0.00021), strongly suggesting that the variant is a benign polymorphism found primarily in populations of African origin. To our knowledge, no occurrence of c.7347T>C in individuals affected with Neurofibromatosis Type 1 and no experimental evidence demonstrating its impact on protein function have been reported. Two clinical diagnostic laboratories have submitted clinical-significance assessments for this variant to ClinVar after 2014 without evidence for independent evaluation. All laboratories classified the variant as benign/likely benign. Based on the evidence outlined above, the variant was classified as benign.

Genetic Services Laboratory, University of Chicago
Classification: Likely benign. Last evaluated: 2016-08-24. Review status: criteria provided, single submitter. Criteria: ACMG Guidelines, 2015. Collection method: clinical testing. Allele origin: germline. Affected: no.

Ambry Genetics
Classification: Likely benign for Hereditary cancer-predisposing syndrome. Last evaluated: 2014-09-12. Review status: criteria provided, single submitter. Criteria: Ambry Autosomal Dominant and X-Linked criteria (10/2015). Collection method: clinical testing. Allele origin: germline. Observed: 1 variant allele.